The following is an entry in ClinVar:

ClinVar aggregate classification (germline): Uncertain significance. Review status: criteria provided, multiple submitters, no conflicts (2 of 4 stars). 2 submissions from 2 submitters: Uncertain significance (2). Last evaluated 2025-08-24.

Conditions:
Inborn genetic diseases. Identifiers: MedGen C0950123, MeSH D030342.

gnomAD v4.1: 1 of 1,606,176 alleles (0.000062%); highest among the groups gnomAD compares: Non-Finnish European, 0.000085%; no homozygotes.

Submissions (2):

Ambry Genetics
Classification: Uncertain significance for Inborn genetic diseases. Last evaluated: 2025-08-24. Review status: criteria provided, single submitter. Criteria: Ambry Variant Classification Scheme 2023. Collection method: clinical testing. Allele origin: germline.

Labcorp Genetics (formerly Invitae), Labcorp
Classification: Uncertain significance. Last evaluated: 2023-12-06. Review status: criteria provided, single submitter. Criteria: Invitae Variant Classification Sherloc (09022015). Collection method: clinical testing. Allele origin: germline.
Comment: This sequence change replaces isoleucine, which is neutral and non-polar, with valine, which is neutral and non-polar, at codon 2810 of the DNAH9 protein (p.Ile2810Val). This variant is not present in population databases (gnomAD no frequency). This variant has not been reported in the literature in individuals affected with DNAH9-related conditions. ClinVar contains an entry for this variant (Variation ID: 1349707). Advanced modeling of protein sequence and biophysical properties (such as structural, functional, and spatial information, amino acid conservation, physicochemical variation, residue mobility, and thermodynamic stability) performed at Invitae indicates that this missense variant is not expected to disrupt DNAH9 protein function with a negative predictive value of 80%. In summary, the available evidence is currently insufficient to determine the role of this variant in disease. Therefore, it has been classified as a Variant of Uncertain Significance.

NM_001372.4(DNAH9):c.8428A>G (p.Ile2810Val)

Gene: DNAH9 (dynein axonemal heavy chain 9; plus strand). Cytogenetic location: 17p12.
Variant type: single nucleotide variant.
Coding change: c.8428A>G on transcript NM_001372.4 (MANE Select); coding-DNA position 8428, A replaced by G.
Protein change: p.Ile2810Val; replaces isoleucine 2810 with valine.
Molecular consequence: missense variant.
Genome position (GRCh38, 1-based): chr17:11,807,739, A>G. VCF-style: chr17-11807739-A-G. GRCh37 (hg19) VCF-style: chr17-11711056-A-G.
Other names: c.8428A>G (NM_001372.3); short protein forms I2810V.
Identifiers: ClinVar variation 1349707 (VCV001349707.7), dbSNP rs2150924765, ClinGen allele CA398197214.